The following is an entry in ClinVar:

ClinVar aggregate classification (germline): Uncertain significance. Review status: criteria provided, multiple submitters, no conflicts (2 of 4 stars). 3 submissions from 3 submitters: Uncertain significance (3). Last evaluated 2026-04-22.

Conditions:
Acute rhabdomyolysis. Identifiers: MedGen C3807306, HP:0008942.
Inborn genetic diseases. Identifiers: MedGen C0950123, MeSH D030342.

Allele frequency attached by ClinVar (database versions not stated): ExAC 0.00003; gnomAD exomes 0.00006 and 0.00004; gnomAD 0.00007 and 0.00008; ESP Exome Variant Server 0.00008; TOPMed 0.00009.
gnomAD v4.1: 96 of 1,612,726 alleles (0.006%); highest among the groups gnomAD compares: Admixed American, 0.013%; no homozygotes.

Submissions (3):

NHS Central & South Genomic Laboratory Hub
Classification: Uncertain significance for Acute Rhabdomyolysis. Last evaluated: 2026-04-22. Review status: criteria provided, single submitter. Criteria: ACMG Guidelines, 2015. Collection method: clinical testing. Allele origin: germline. Affected: yes.

Ambry Genetics
Classification: Uncertain significance for Inborn genetic diseases. Last evaluated: 2025-06-30. Review status: criteria provided, single submitter. Criteria: Ambry Variant Classification Scheme 2023. Collection method: clinical testing. Allele origin: germline.

Labcorp Genetics (formerly Invitae), Labcorp
Classification: Uncertain significance. Last evaluated: 2022-08-22. Review status: criteria provided, single submitter. Criteria: Invitae Variant Classification Sherloc (09022015). Collection method: clinical testing. Allele origin: germline.
Comment: This sequence change replaces cysteine, which is neutral and slightly polar, with phenylalanine, which is neutral and non-polar, at codon 231 of the TANGO2 protein (p.Cys231Phe). This variant is present in population databases (rs149711961, gnomAD 0.009%). This variant has not been reported in the literature in individuals affected with TANGO2-related conditions. ClinVar contains an entry for this variant (Variation ID: 1377431). Algorithms developed to predict the effect of missense changes on protein structure and function are either unavailable or do not agree on the potential impact of this missense change (SIFT: "Not Available"; PolyPhen-2: "Benign"; Align-GVGD: "Not Available"). In summary, the available evidence is currently insufficient to determine the role of this variant in disease. Therefore, it has been classified as a Variant of Uncertain Significance.

NM_152906.7(TANGO2):c.692G>T (p.Cys231Phe)

Gene: TANGO2 (transport and golgi organization 2 homolog; plus strand). Cytogenetic location: 22q11.21.
Variant type: single nucleotide variant.
Coding change: c.692G>T on transcript NM_152906.7 (MANE Select); coding-DNA position 692, G replaced by T.
Protein change: p.Cys231Phe; replaces cysteine 231 with phenylalanine.
Molecular consequence: missense variant. On other transcripts: synonymous variant (5), 3 prime UTR variant (1), non-coding transcript variant (5), intron variant (1).
Genome position (GRCh38, 1-based): chr22:20,063,424, G>T. VCF-style: chr22-20063424-G-T. GRCh37 (hg19) VCF-style: chr22-20050947-G-T.
Other names: c.692G>T, p.Cys231Phe (NM_001283106.3, NM_001283116.3, NM_001322142.2); c.815G>T, p.Cys272Phe (NM_001283129.3, NM_001322141.2, NM_001322143.2); c.690G>T, p.Leu230= (NM_001283148.3, NM_001283154.3); c.506G>T, p.Cys169Phe (NM_001283179.3, NM_001283186.3, NM_001322163.2 and 2 more transcripts); c.467G>T, p.Cys156Phe (NM_001283199.3); c.398G>T, p.Cys133Phe (NM_001283235.3, NM_001322150.2, NM_001322153.2 and 6 more transcripts); c.*28G>T (NM_001283248.3); c.813G>T, p.Leu271= (NM_001322144.2); and 6 more; short protein forms C156F, C169F, C272F, C133F, C210F, C197F, C231F.
Identifiers: ClinVar variation 1377431 (VCV001377431.6), dbSNP rs149711961, ClinGen allele CA10106533.